The following is an entry in ClinVar:

ClinVar aggregate classification (germline): Conflicting classifications of pathogenicity. Review status: criteria provided, conflicting classifications (1 of 4 stars). 2 submissions from 2 submitters: Uncertain significance (1); Likely benign (1). Last evaluated 2026-01-12.

Submissions (2):

Labcorp Genetics (formerly Invitae), Labcorp
Classification: Likely benign. Last evaluated: 2026-01-12. Review status: criteria provided, single submitter. Criteria: Invitae Variant Classification Sherloc (09022015). Collection method: clinical testing. Allele origin: germline.

Women's Health and Genetics/Laboratory Corporation of America, LabCorp
Classification: Uncertain significance. Last evaluated: 2024-07-02. Review status: criteria provided, single submitter. Criteria: LabCorp Variant Classification Summary - May 2015. Collection method: clinical testing. Allele origin: germline.
Comment: Variant summary: RAI1 c.4341_4343delGAG (p.Arg1447del) results in an in-frame deletion that is predicted to remove 1 amino acid from the encoded protein. The variant was absent in 248124 control chromosomes (gnomAD). The available data on variant occurrences in the general population are insufficient to allow any conclusion about variant significance. To our knowledge, no occurrence of c.4341_4343delGAG in individuals affected with Smith-Magenis Syndrome and no experimental evidence demonstrating its impact on protein function have been reported. ClinVar contains an entry for this variant (Variation ID: 2909070). Based on the evidence outlined above, the variant was classified as uncertain significance.

NM_030665.4(RAI1):c.4338GAG[1] (p.Arg1447del)

Gene: RAI1 (retinoic acid induced 1; plus strand). Cytogenetic location: 17p11.2.
Variant type: Microsatellite.
Coding change: c.4338GAG[1] on transcript NM_030665.4 (MANE Select); one copy of the 3-base unit GAG starting at c.4338; the reference has two copies in a row; one copy, 3 bases deleted.
Protein change: p.Arg1447del; deletes arginine 1447.
Molecular consequence: inframe deletion.
Genome position (GRCh38, 1-based): chr17:17,797,289-17,797,291, GAG deleted; deleting any 3 consecutive bases within chr17:17,797,286-17,797,291 gives the same sequence; the position shown is the placement nearest the transcript's 3' end. VCF-style (leftmost placement, unchanged base first): chr17-17797285-AGAG-A. GRCh37 (hg19) VCF-style: chr17-17700599-AGAG-A.
Other names: c.4341_4343delGAG (NM_030665.4); short protein forms R1447del.
Identifiers: ClinVar variation 2909070 (VCV002909070.4), dbSNP rs2543618999, ClinGen allele CA2739267193.